The following is an entry in ClinVar:

NM_015046.7(SETX):c.5339T>A (p.Phe1780Tyr)

Gene: SETX (senataxin; minus strand). Cytogenetic location: 9q34.13.
Variant type: single nucleotide variant.
Coding change: c.5339T>A on transcript NM_015046.7 (MANE Select); coding-DNA position 5339, T replaced by A.
Protein change: p.Phe1780Tyr; replaces phenylalanine 1780 with tyrosine.
Molecular consequence: missense variant.
Genome position (GRCh38, 1-based): chr9:132,311,792, A>T on the plus strand (T>A on the coding strand, the complement: SETX is on the minus strand). VCF-style: chr9-132311792-A-T. GRCh37 (hg19) VCF-style: chr9-135187179-A-T.
Other names: c.5339T>A, p.Phe1780Tyr (NM_001351527.2, NM_001351528.2); short protein forms F1780Y.
Identifiers: ClinVar variation 1716749 (VCV001716749.10), dbSNP rs2539021800, ClinGen allele CA375320111.
Genomic context (GRCh38, chr9:132,311,792, plus strand): 5'-CCAAGTTGCGTAAGAAAAAACTTACCTGCAAACTCCCAGTATTTTATATAATCGGCAGGA[A>T]ATTTTCGTACTTGCAACTGATAGAAATTCTCTCTATTTGGAGAGTTGAGCCATTCTTGTG-3'
Protein context (NP_055861.3, residues 1770-1790): ENFYQLQVRK[Phe1780Tyr]PADYIKYWEF

ClinVar aggregate classification (germline): Uncertain significance. Review status: criteria provided, multiple submitters, no conflicts (2 of 4 stars). 2 submissions from 2 submitters: Uncertain significance (2). Last evaluated 2026-02-01.

Conditions:
Amyotrophic lateral sclerosis type 4 (ALS4). Also called: NEURONOPATHY, DISTAL HEREDITARY MOTOR, WITH PYRAMIDAL FEATURES; AMYOTROPHIC LATERAL SCLEROSIS 4, JUVENILE. Identifiers: Orphanet 357043, MedGen C1865409, MONDO:0011223, OMIM 602433.
Spinocerebellar ataxia, autosomal recessive, with axonal neuropathy 2 (SCAN2). Also called: Ataxia with Oculomotor Apraxia Type 2; Ataxia-ocular apraxia-2; ATAXIA-OCULOMOTOR APRAXIA 2; Ataxia with Oculomotor Apraxia. Identifiers: Orphanet 64753, MedGen C1853761, MONDO:0018996, OMIM 606002.

Submissions (2):

CeGaT Center for Human Genetics Tuebingen
Classification: Uncertain significance. Last evaluated: 2026-02-01. Review status: criteria provided, single submitter. Criteria: CeGaT Center For Human Genetics Tuebingen Variant Classification Criteria Version 2. Collection method: clinical testing. Allele origin: germline. Affected: yes. Observed: 1 variant allele.
Comment: SETX: PM2

Labcorp Genetics (formerly Invitae), Labcorp
Classification: Uncertain significance for Amyotrophic lateral sclerosis type 4; Spinocerebellar ataxia, autosomal recessive, with axonal neuropathy 2. Last evaluated: 2022-08-19. Review status: criteria provided, single submitter. Criteria: Invitae Variant Classification Sherloc (09022015). Collection method: clinical testing. Allele origin: germline.
Comment: Advanced modeling of protein sequence and biophysical properties (such as structural, functional, and spatial information, amino acid conservation, physicochemical variation, residue mobility, and thermodynamic stability) performed at Invitae indicates that this missense variant is not expected to disrupt SETX protein function. In summary, the available evidence is currently insufficient to determine the role of this variant in disease. Therefore, it has been classified as a Variant of Uncertain Significance. This variant has not been reported in the literature in individuals affected with SETX-related conditions. This variant is not present in population databases (gnomAD no frequency). This sequence change replaces phenylalanine, which is neutral and non-polar, with tyrosine, which is neutral and polar, at codon 1780 of the SETX protein (p.Phe1780Tyr).